The following is an entry in ClinVar:

ClinVar aggregate classification (germline): Benign/Likely benign. Review status: criteria provided, multiple submitters, no conflicts (2 of 4 stars). 7 submissions from 7 submitters: Benign (1); Likely benign (6). Last evaluated 2026-05-01.

Conditions:
Inborn genetic diseases. Identifiers: MedGen C0950123, MeSH D030342.

Allele frequency attached by ClinVar (database versions not stated): ESP Exome Variant Server 0.00101; 1000 Genomes Project 30x 0.00109; gnomAD 0.00134 and 0.00136; 1000 Genomes Project 0.00140; TOPMed 0.00154; gnomAD exomes 0.00165 and 0.00209; ExAC 0.00166.
gnomAD v4.1: 3,280 of 1,611,698 alleles (0.2%); highest among the groups gnomAD compares: Non-Finnish European, 0.24%; 8 homozygotes.

Submissions (7):

CeGaT Center for Human Genetics Tuebingen
Classification: Likely benign. Last evaluated: 2026-05-01. Review status: criteria provided, single submitter. Criteria: CeGaT Center For Human Genetics Tuebingen Variant Classification Criteria Version 2. Collection method: clinical testing. Allele origin: germline. Affected: yes. Observed: 5 variant alleles.
Comment: OTOGL: BP4, BS2

Labcorp Genetics (formerly Invitae), Labcorp
Classification: Benign. Last evaluated: 2025-12-23. Review status: criteria provided, single submitter. Criteria: Invitae Variant Classification Sherloc (09022015). Collection method: clinical testing. Allele origin: germline.

Blueprint Genetics
Classification: Likely benign. Last evaluated: 2024-11-21. Review status: criteria provided, single submitter. Criteria: ACMG Guidelines, 2015. Collection method: clinical testing. Allele origin: germline.

Ambry Genetics
Classification: Likely benign for Inborn genetic diseases. Last evaluated: 2023-02-06. Review status: criteria provided, single submitter. Criteria: Ambry Variant Classification Scheme 2023. Collection method: clinical testing. Allele origin: germline.

GeneDx
Classification: Likely benign. Last evaluated: 2022-08-05. Review status: criteria provided, single submitter. Criteria: GeneDx Variant Classification Process June 2021. Collection method: clinical testing. Allele origin: germline. Affected: yes.
Comment: See Variant Classification Assertion Criteria.

Laboratory for Molecular Medicine, Mass General Brigham Personalized Medicine
Classification: Likely benign. Last evaluated: 2015-12-17. Review status: criteria provided, single submitter. Criteria: LMM Criteria. Collection method: clinical testing. Allele origin: germline. Observed: 6 variant alleles.
Comment: p.Glu1627Lys in exon 42 of OTOGL: This variant is not expected to have clinical significance because it has been identified in 0.3% (39/11552) of Latino chromos omes and 0.23% (155/66672) European chromosomes by the Exome Aggregation Consort ium (ExAC; dbSNP rs143817729).

Breakthrough Genomics
Classification: Likely benign. Review status: criteria provided, single submitter. Criteria: ACMG Guidelines, 2015. Collection method: not provided. Allele origin: germline. Inheritance: Autosomal recessive inheritance. Affected: yes.

NM_001378609.3(OTOGL):c.4906G>A (p.Glu1636Lys)

Gene: OTOGL (otogelin like; plus strand). Cytogenetic location: 12q21.31.
Variant type: single nucleotide variant.
Coding change: c.4906G>A on transcript NM_001378609.3 (MANE Select); coding-DNA position 4906, G replaced by A.
Protein change: p.Glu1636Lys; replaces glutamic acid 1636 with lysine.
Molecular consequence: missense variant.
Genome position (GRCh38, 1-based): chr12:80,339,120, G>A. VCF-style: chr12-80339120-G-A. GRCh37 (hg19) VCF-style: chr12-80732900-G-A.
Other names: c.4771G>A, p.Glu1591Lys (NM_001368062.3); c.4906G>A, p.Glu1636Lys (NM_001378610.3, NM_173591.7); short protein forms E1627K, E1591K, E1636K.
Identifiers: ClinVar variation 227824 (VCV000227824.42), dbSNP rs143817729, ClinGen allele CA6701551.